The following is an entry in ClinVar:

ClinVar aggregate classification (germline): Uncertain significance. Review status: criteria provided, multiple submitters, no conflicts (2 of 4 stars). 5 submissions from 5 submitters: Uncertain significance (5). Last evaluated 2026-09-14.

Conditions:
Lymphangiomyomatosis (LAM). Also called: Lymphangioleiomyomatosis; Lymphangioleiomyomatosis, somatic. Identifiers: Orphanet 538, MedGen C0751674, MONDO:0011705, OMIM 606690.
Tuberous sclerosis 1 (TSC1). Identifiers: Orphanet 805, MedGen C1854465, MONDO:0008612, OMIM 191100.
Isolated focal cortical dysplasia type II (FCORD2). Also called: Focal cortical dysplasia type II; CORTICAL DYSPLASIA OF TAYLOR. Identifiers: Orphanet 268994, MedGen C1846385, MONDO:0011818, OMIM 607341, HP:0032051.
Hereditary cancer-predisposing syndrome. Also called: Tumor predisposition; Hereditary Cancer Syndrome; Hereditary neoplastic syndrome; Neoplastic Syndromes, Hereditary. Identifiers: Orphanet 140162, MedGen C0027672, MeSH D009386, MONDO:0015356.
Tuberous sclerosis syndrome (TSC). Also called: Tuberous Sclerosis Complex; Tuberous sclerosis. Identifiers: Orphanet 805, MedGen C0041341, MONDO:0001734.

Submissions (5):

Ambry Genetics
Classification: Uncertain significance for Hereditary cancer-predisposing syndrome. Last evaluated: 2026-09-14. Review status: criteria provided, single submitter. Criteria: Ambry Variant Classification Scheme 2023. Collection method: clinical testing. Allele origin: germline.
Comment: The p.S1086R variant (also known as c.3258C>A), located in coding exon 21 of the TSC1 gene, results from a C to A substitution at nucleotide position 3258. The serine at codon 1086 is replaced by arginine, an amino acid with dissimilar properties. This amino acid position is highly conserved in available vertebrate species. In addition, this alteration is predicted to be deleterious by in silico analysis. Based on the available evidence, the clinical significance of this variant remains unclear.

All of Us Research Program, National Institutes of Health
Classification: Uncertain significance for Tuberous sclerosis syndrome. Last evaluated: 2023-11-20. Review status: criteria provided, single submitter. Criteria: ACMG Guidelines, 2015. Collection method: clinical testing. Allele origin: germline. Inheritance: Autosomal dominant inheritance. Observed: 1 variant allele, 1 heterozygote.
Comment: This missense variant replaces serine with arginine at codon 1086 of the TSC1 protein. Computational prediction is inconclusive regarding the impact of this variant on protein structure and function (internally defined REVEL score threshold 0.5 < inconclusive < 0.7, PMID: 27666373). To our knowledge, functional studies have not been reported for this variant. This variant has not been reported in individuals affected with TSC1-related disorders in the literature. This variant has not been identified in the general population by the Genome Aggregation Database (gnomAD). The available evidence is insufficient to determine the role of this variant in disease conclusively. Therefore, this variant is classified as a Variant of Uncertain Significance.

This study involves interpretation of variants in research participants for the purpose of population health screening. Participant phenotype was not available at the time of variant classification. Additional details can be found in publication PMID: 35346344, PMCID: PMC8962531

Color Diagnostics, LLC DBA Color Health
Classification: Uncertain significance for Tuberous sclerosis syndrome. Last evaluated: 2023-09-13. Review status: criteria provided, single submitter. Criteria: ACMG Guidelines, 2015. Collection method: clinical testing. Allele origin: germline.
Comment: This missense variant replaces serine with arginine at codon 1086 of the TSC1 protein. Computational prediction is inconclusive regarding the impact of this variant on protein structure and function (internally defined REVEL score threshold 0.5 < inconclusive < 0.7, PMID: 27666373). To our knowledge, functional studies have not been reported for this variant. This variant has not been reported in individuals affected with TSC1-related disorders in the literature. This variant has not been identified in the general population by the Genome Aggregation Database (gnomAD). The available evidence is insufficient to determine the role of this variant in disease conclusively. Therefore, this variant is classified as a Variant of Uncertain Significance.

Labcorp Genetics (formerly Invitae), Labcorp
Classification: Uncertain significance for Tuberous sclerosis 1. Last evaluated: 2023-08-16. Review status: criteria provided, single submitter. Criteria: Invitae Variant Classification Sherloc (09022015). Collection method: clinical testing. Allele origin: germline.
Comment: Advanced modeling of protein sequence and biophysical properties (such as structural, functional, and spatial information, amino acid conservation, physicochemical variation, residue mobility, and thermodynamic stability) performed at Invitae indicates that this missense variant is not expected to disrupt TSC1 protein function. ClinVar contains an entry for this variant (Variation ID: 1014255). This variant has not been reported in the literature in individuals affected with TSC1-related conditions. In summary, the available evidence is currently insufficient to determine the role of this variant in disease. Therefore, it has been classified as a Variant of Uncertain Significance. This sequence change replaces serine, which is neutral and polar, with arginine, which is basic and polar, at codon 1086 of the TSC1 protein (p.Ser1086Arg). This variant is not present in population databases (gnomAD no frequency).

Fulgent Genetics
Classification: Uncertain significance for Tuberous sclerosis 1; Lymphangiomyomatosis; Isolated focal cortical dysplasia type II. Last evaluated: 2021-09-06. Review status: criteria provided, single submitter. Criteria: ACMG Guidelines, 2015. Collection method: clinical testing. Allele origin: unknown.

NM_000368.5(TSC1):c.3258C>A (p.Ser1086Arg)

Gene: TSC1 (TSC complex subunit 1; minus strand). Cytogenetic location: 9q34.13.
Variant type: single nucleotide variant.
Coding change: c.3258C>A on transcript NM_000368.5 (MANE Select); coding-DNA position 3258, C replaced by A.
Protein change: p.Ser1086Arg; replaces serine 1086 with arginine.
Molecular consequence: missense variant.
Genome position (GRCh38, 1-based): chr9:132,896,472, G>T on the plus strand (C>A on the coding strand, the complement: TSC1 is on the minus strand). VCF-style: chr9-132896472-G-T. GRCh37 (hg19) VCF-style: chr9-135771859-G-T.
Other names: c.3255C>A, p.Ser1085Arg (NM_001162426.2); c.3105C>A, p.Ser1035Arg (NM_001162427.2); c.2895C>A, p.Ser965Arg (NM_001362177.2); c.3258C>A (NM_000368.4); short protein forms S1035R, S1085R, S1086R, S965R.
Identifiers: ClinVar variation 1014255 (VCV001014255.16), dbSNP rs1845053380, ClinGen allele CA375366827.